The following is an entry in ClinVar:

NM_025114.4(CEP290):c.4923G>T (p.Leu1641Phe)

Gene: CEP290 (centrosomal protein 290; minus strand). Cytogenetic location: 12q21.32.
Variant type: single nucleotide variant.
Coding change: c.4923G>T on transcript NM_025114.4 (MANE Select); coding-DNA position 4923, G replaced by T.
Protein change: p.Leu1641Phe; replaces leucine 1641 with phenylalanine.
Molecular consequence: missense variant.
Genome position (GRCh38, 1-based): chr12:88,083,120, C>A on the plus strand (G>T on the coding strand, the complement: CEP290 is on the minus strand). VCF-style: chr12-88083120-C-A. GRCh37 (hg19) VCF-style: chr12-88476897-C-A.
Other names: c.4923G>T (NM_025114.3); short protein forms L1641F.
Identifiers: ClinVar variation 2080974 (VCV002080974.5), dbSNP rs1323137920, ClinGen allele CA385992847.
Genomic context (GRCh38, chr12:88,083,120, plus strand): 5'-TTTTAATTCAGTGATTTCTCTTTGTCTCTCCAAATCTTGTGATACTTTCTTTAGTTTGAC[C>A]AAGAGTGAGGAAAGAGAGTCATCTTGTTCTGCTACTGTCTGTTCCATCTCAGCCAGACGA-3'
Protein context (NP_079390.3, residues 1631-1651): AEQDDSLSSL[Leu1641Phe]VKLKKVSQDL

ClinVar aggregate classification (germline): Uncertain significance. Review status: criteria provided, multiple submitters, no conflicts (2 of 4 stars). 3 submissions from 3 submitters: Uncertain significance (3). Last evaluated 2025-11-08.

Conditions:
CEP290-related disorder. Also called: CEP290-related condition; CEP290-related disorders. Identifiers: MedGen CN239314.
Inborn genetic diseases. Identifiers: MedGen C0950123, MeSH D030342.
Nephronophthisis. Also called: Juvenile Nephronophthisis. Identifiers: Orphanet 655, MedGen C0687120, MONDO:0019005, HP:0000090.
Joubert syndrome. Also called: Familial aplasia of the vermis; JOUBERT-BOLTSHAUSER SYNDROME. Identifiers: Orphanet 475, MedGen C5979921, MONDO:0018772.
Meckel-Gruber syndrome. Also called: Dysencephalia splachnocystica; DYSENCEPHALIA SPLANCHNOCYSTICA; GRUBER SYNDROME. Identifiers: Orphanet 564, MedGen C0265215, MONDO:0018921.

Allele frequency attached by ClinVar (database versions not stated): gnomAD exomes below 0.00001; TOPMed below 0.00001.
gnomAD v4.1: 1 of 1,544,260 alleles (0.000065%); highest among the groups gnomAD compares: Admixed American, 0.002%; no homozygotes.

Submissions (3):

Ambry Genetics
Classification: Uncertain significance for Inborn genetic diseases. Last evaluated: 2025-11-08. Review status: criteria provided, single submitter. Criteria: Ambry Variant Classification Scheme 2023. Collection method: clinical testing. Allele origin: germline.

Labcorp Genetics (formerly Invitae), Labcorp
Classification: Uncertain significance for Joubert syndrome; Meckel-Gruber syndrome; Nephronophthisis. Last evaluated: 2024-11-05. Review status: criteria provided, single submitter. Criteria: Invitae Variant Classification Sherloc (09022015). Collection method: clinical testing. Allele origin: germline.
Comment: This sequence change replaces leucine, which is neutral and non-polar, with phenylalanine, which is neutral and non-polar, at codon 1641 of the CEP290 protein (p.Leu1641Phe). The frequency data for this variant in the population databases is considered unreliable, as metrics indicate poor data quality at this position in the gnomAD database. This variant has not been reported in the literature in individuals affected with CEP290-related conditions. ClinVar contains an entry for this variant (Variation ID: 2080974). Invitae Evidence Modeling of protein sequence and biophysical properties (such as structural, functional, and spatial information, amino acid conservation, physicochemical variation, residue mobility, and thermodynamic stability) indicates that this missense variant is not expected to disrupt CEP290 protein function with a negative predictive value of 80%. In summary, the available evidence is currently insufficient to determine the role of this variant in disease. Therefore, it has been classified as a Variant of Uncertain Significance.

PreventionGenetics, part of Exact Sciences
Classification: Uncertain significance for CEP290-related condition. Last evaluated: 2024-10-18. Review status: criteria provided, single submitter. Criteria: ACMG Guidelines, 2015. Collection method: clinical testing. Allele origin: germline.
Comment: The CEP290 c.4923G>T variant is predicted to result in the amino acid substitution p.Leu1641Phe. To our knowledge, this variant has not been reported in the literature. This variant is reported in 0.0045% of alleles in individuals of Latino descent in gnomAD. At this time, the clinical significance of this variant is uncertain due to the absence of conclusive functional and genetic evidence.